The following is an entry in ClinVar:

NM_003108.4(SOX11):c.1077C>T (p.Asp359=)

Gene: SOX11 (SRY-box transcription factor 11; plus strand). Cytogenetic location: 2p25.2.
Variant type: single nucleotide variant.
Coding change: c.1077C>T on transcript NM_003108.4 (MANE Select); coding-DNA position 1077, C replaced by T.
Protein change: p.Asp359=; no amino-acid change (aspartic acid 359 retained).
Molecular consequence: synonymous variant.
Genome position (GRCh38, 1-based): chr2:5,693,798, C>T. VCF-style: chr2-5693798-C-T. GRCh37 (hg19) VCF-style: chr2-5833930-C-T.
Identifiers: ClinVar variation 3717772 (VCV003717772.2).
Genomic context (GRCh38, chr2:5,693,798, plus strand): 5'-GTCCACCTCCTCGTCCAGCAGCAGCGGCAGCAGCAGCGGCAGCAGCGGCGAGGACGCCGA[C>T]GACCTGATGTTCGACCTGAGCTTGAATTTCTCTCAAAGCGCGCACAGCGCCAGCGAGCAG-3'
Protein context (NP_003099.1, residues 349-369): SSSGSSGEDA[Asp359=]DLMFDLSLNF

ClinVar aggregate classification (germline): Uncertain significance (1 of 4 stars; one submission).

Submission:

Labcorp Genetics (formerly Invitae), Labcorp
Classification: Uncertain significance. Last evaluated: 2024-09-19. Review status: criteria provided, single submitter. Criteria: Invitae Variant Classification Sherloc (09022015). Collection method: clinical testing. Allele origin: germline.
Comment: This sequence change affects codon 359 of the SOX11 mRNA. It is a 'silent' change, meaning that it does not change the encoded amino acid sequence of the SOX11 protein. This variant is not present in population databases (gnomAD no frequency). This variant has not been reported in the literature in individuals affected with SOX11-related conditions. In summary, the available evidence is currently insufficient to determine the role of this variant in disease. Therefore, it has been classified as a Variant of Uncertain Significance.